The following is an entry in ClinVar:

NM_001282531.3(ADNP):c.1752A>G (p.Gln584=)

Gene: ADNP (activity dependent neuroprotector homeobox; minus strand). Cytogenetic location: 20q13.13.
Variant type: single nucleotide variant.
Coding change: c.1752A>G on transcript NM_001282531.3 (MANE Select); coding-DNA position 1752, A replaced by G.
Protein change: p.Gln584=; no amino-acid change (glutamine 584 retained).
Molecular consequence: synonymous variant.
Genome position (GRCh38, 1-based): chr20:50,892,962, T>C on the plus strand (A>G on the coding strand, the complement: ADNP is on the minus strand). VCF-style: chr20-50892962-T-C. GRCh37 (hg19) VCF-style: chr20-49509499-T-C.
Other names: c.1752A>G, p.Gln584= (NM_001282532.2, NM_001347511.2, NM_015339.5 and 1 more transcripts); c.1752A>G (NM_001282531.2).
Identifiers: ClinVar variation 588836 (VCV000588836.21), dbSNP rs139237825, ClinGen allele CA9908690.

ClinVar aggregate classification (germline): Benign/Likely benign. Review status: criteria provided, multiple submitters, no conflicts (2 of 4 stars). 6 submissions from 6 submitters: Benign (3); Likely benign (2). 1 of the submissions does not count toward it. Last evaluated 2026-01-09.

Conditions:
ADNP-related multiple congenital anomalies - intellectual disability - autism spectrum disorder. Also called: Helsmoortel-Van der Aa Syndrome; ADNP-Related Helsmoortel-Van der Aa Syndrome. Identifiers: Orphanet 404448, MedGen C4014538, MONDO:0014379, OMIM 615873. Disease mechanism: loss of function.
Inborn genetic diseases. Identifiers: MedGen C0950123, MeSH D030342.
ADNP-related disorder. Also called: ADNP-related condition.

Allele frequency attached by ClinVar (database versions not stated): gnomAD exomes 0.00004 and 0.00010; ExAC 0.00009; 1000 Genomes Project 30x 0.00016; 1000 Genomes Project 0.00020; ESP Exome Variant Server 0.00031; gnomAD 0.00044 and 0.00050; TOPMed 0.00044.
gnomAD v4.1: 123 of 1,614,190 alleles (0.0076%); highest among the groups gnomAD compares: African/African-American, 0.15%; no homozygotes.

Submissions (6):

Labcorp Genetics (formerly Invitae), Labcorp
Classification: Benign. Last evaluated: 2026-01-09. Review status: criteria provided, single submitter. Criteria: Invitae Variant Classification Sherloc (09022015). Collection method: clinical testing. Allele origin: germline.

CeGaT Center for Human Genetics Tuebingen
Classification: Likely benign. Last evaluated: 2025-03-01. Review status: criteria provided, single submitter. Criteria: CeGaT Center For Human Genetics Tuebingen Variant Classification Criteria Version 2. Collection method: clinical testing. Allele origin: germline. Affected: yes. Observed: 1 variant allele.
Comment: ADNP: BP4, BP7

Genome-Nilou Lab
Classification: Benign for ADNP-related multiple congenital anomalies - intellectual disability - autism spectrum disorder. Last evaluated: 2021-12-05. Review status: criteria provided, single submitter. Criteria: ACMG Guidelines, 2015. Collection method: clinical testing. Allele origin: germline. Affected: no.

GeneDx
Classification: Benign. Last evaluated: 2020-12-05. Review status: criteria provided, single submitter. Criteria: GeneDx Variant Classification Process June 2021. Collection method: clinical testing. Allele origin: germline. Affected: yes.

Ambry Genetics
Classification: Likely benign for Inborn genetic diseases. Last evaluated: 2017-02-23. Review status: criteria provided, single submitter. Criteria: Ambry Variant Classification Scheme 2023. Collection method: clinical testing. Allele origin: germline.

PreventionGenetics, part of Exact Sciences
Classification: Likely benign for ADNP-related condition. Last evaluated: 2023-04-12. Review status: no assertion criteria provided. Collection method: clinical testing. Allele origin: germline. Not counted in ClinVar's aggregate classification.
Comment: This variant is classified as likely benign based on ACMG/AMP sequence variant interpretation guidelines (Richards et al. 2015 PMID: 25741868, with internal and published modifications).